The following is an entry in ClinVar:

ClinVar aggregate classification (germline): Uncertain significance. Review status: criteria provided, multiple submitters, no conflicts (2 of 4 stars). 3 submissions from 3 submitters: Uncertain significance (3). Last evaluated 2023-11-27.

Allele frequency attached by ClinVar (database versions not stated): ExAC below 0.00001; gnomAD exomes 0.00001 and 0.00002; gnomAD 0.00003; TOPMed 0.00003.
gnomAD v4.1: 31 of 1,570,718 alleles (0.002%); highest among the groups gnomAD compares: Middle Eastern, 0.25%; no homozygotes.

Submissions (3):

Labcorp Genetics (formerly Invitae), Labcorp
Classification: Uncertain significance. Last evaluated: 2023-11-27. Review status: criteria provided, single submitter. Criteria: Invitae Variant Classification Sherloc (09022015). Collection method: clinical testing. Allele origin: germline.
Comment: This sequence change replaces glutamic acid, which is acidic and polar, with glycine, which is neutral and non-polar, at codon 82 of the NDUFA11 protein (p.Glu82Gly). The frequency data for this variant in the population databases is considered unreliable, as metrics indicate poor data quality at this position in the gnomAD database. This variant has not been reported in the literature in individuals affected with NDUFA11-related conditions. ClinVar contains an entry for this variant (Variation ID: 214691). Algorithms developed to predict the effect of missense changes on protein structure and function output the following: SIFT: "Not Available"; PolyPhen-2: "Benign"; Align-GVGD: "Not Available". The glycine amino acid residue is found in multiple mammalian species, which suggests that this missense change does not adversely affect protein function. In summary, the available evidence is currently insufficient to determine the role of this variant in disease. Therefore, it has been classified as a Variant of Uncertain Significance.

GeneDx
Classification: Uncertain significance. Last evaluated: 2014-08-07. Review status: criteria provided, single submitter. Criteria: GeneDx Variant Classification (06012015). Collection method: clinical testing. Allele origin: germline. Affected: yes.
Comment: p.Glu82Gly (GAG>GGG): c.245 A>G in exon 3 of the NDUFA11 gene (NM_175614.2). The E82G variant has not been published as a mutation, nor has it been reported as a benign polymorphism to our knowledge. The E82G variant is a non-conservative amino acid substitution, which is likely to impact secondary protein structure as these residues differ in polarity, charge, size and/or other properties. This substitution occurs at a position where amino acids with the same properties as Glutamic Acid are across species. In silico analysis is inconsistent in its predictions as to whether or not the variant is damaging to the protein structure/function. Therefore, based on the currently available information, it is unclear whether this variant is a pathogenic mutation or a rare benign variant. The variant is found in MITONUC-MITOP panel(s).

Breakthrough Genomics
Classification: Uncertain significance. Review status: criteria provided, single submitter. Criteria: ACMG Guidelines, 2015. Collection method: not provided. Allele origin: germline. Inheritance: Autosomal recessive inheritance. Affected: yes.

NM_175614.5(NDUFA11):c.245A>G (p.Glu82Gly)

Gene: NDUFA11 (NADH:ubiquinone oxidoreductase subunit A11; minus strand). Cytogenetic location: 19p13.3.
Variant type: single nucleotide variant.
Coding change: c.245A>G on transcript NM_175614.5 (MANE Select); coding-DNA position 245, A replaced by G.
Protein change: p.Glu82Gly; replaces glutamic acid 82 with glycine.
Molecular consequence: missense variant. On other transcripts: non-coding transcript variant (1).
Genome position (GRCh38, 1-based): chr19:5,896,521, T>C on the plus strand (A>G on the coding strand, the complement: NDUFA11 is on the minus strand). VCF-style: chr19-5896521-T-C. GRCh37 (hg19) VCF-style: chr19-5896532-T-C.
Other names: p.E82G:GAG>GGG; c.245A>G, p.Glu82Gly (NM_001193375.3); short protein forms E82G.
Identifiers: ClinVar variation 214691 (VCV000214691.8), dbSNP rs780379280, ClinGen allele CA324853.